The following is an entry in ClinVar:

NM_138694.4(PKHD1):c.2592+1G>C

Gene: PKHD1 (PKHD1 ciliary IPT domain containing fibrocystin/polyductin; minus strand). Cytogenetic location: 6p12.2.
Variant type: single nucleotide variant.
Coding change: c.2592+1G>C on transcript NM_138694.4 (MANE Select); the canonical splice donor site of the intron after coding-DNA position 2592, G replaced by C.
Molecular consequence: splice donor variant.
Genome position (GRCh38, 1-based): chr6:52,046,003, C>G on the plus strand (G>C on the coding strand, the complement: PKHD1 is on the minus strand). VCF-style: chr6-52046003-C-G. GRCh37 (hg19) VCF-style: chr6-51910801-C-G.
Other names: c.2592+1G>C (NM_170724.3, NM_138694.3).
Identifiers: ClinVar variation 1067726 (VCV001067726.18), dbSNP rs758812102, ClinGen allele CA3853178.
Genomic context (GRCh38, chr6:52,046,003, plus strand): 5'-TTTTTTGCAGAATTTCTCCAGGGCAGCAAATCCATGCCACTAGAAGGGATACTATACATA[C>G]CCTGATAAAATTGGGCAAATCCCCAATCTGAGTGGACCAGGACAAGGTCCACACGTGTTC-3'

ClinVar aggregate classification (germline): Pathogenic/Likely pathogenic. Review status: criteria provided, multiple submitters, no conflicts (2 of 4 stars). 4 submissions from 4 submitters: Pathogenic (1); Likely pathogenic (3). Last evaluated 2025-09-24.

Conditions:
Autosomal recessive polycystic kidney disease (ARPKD). Also called: AR polycystic kidney disease. Identifiers: Orphanet 731, Orphanet 8378, MedGen C0085548, MeSH D017044, MONDO:0009889.
PKHD1-related disorder. Also called: PKHD1-related condition.
Polycystic kidney disease 4 (PKD4). Also called: PKD3; POLYCYSTIC KIDNEY DISEASE 4 WITH OR WITHOUT POLYCYSTIC LIVER DISEASE; Autosomal Recessive Polycystic Kidney Disease – PKHD1; POLYCYSTIC KIDNEY AND HEPATIC DISEASE 1; POLYCYSTIC KIDNEY DISEASE, INFANTILE, TYPE I. Identifiers: MedGen C4540575, MONDO:0033004, OMIM 263200.

Allele frequency attached by ClinVar (database versions not stated): gnomAD exomes below 0.00001; TOPMed below 0.00001; ExAC 0.00001.
gnomAD v4.1: 3 of 1,609,318 alleles (0.00019%); highest among the groups gnomAD compares: Non-Finnish European, 0.00026%; no homozygotes.

Submissions (4):

Natera, Inc.
Classification: Likely pathogenic for Autosomal recessive polycystic kidney disease. Last evaluated: 2025-09-24. Review status: criteria provided, single submitter. Criteria: Natera Variant Classification Schema (03/2026). Collection method: clinical testing. Allele origin: germline.
Comment: The c.2592+1G>C variant in PKHD1 is a canonical splice donor site variant predicted to affect pre-mRNA splicing, which may result in an abnormal transcript and altered protein product. This variant is expected to result in nonsense mediated decay, truncation, or a dysfunctional protein product. This variant is rare in the general population with a frequency below the threshold expected for the associated phenotype(s). Given the available evidence, this variant is classified as Likely Pathogenic.

PreventionGenetics, part of Exact Sciences
Classification: Pathogenic for PKHD1-related condition. Last evaluated: 2025-03-19. Review status: criteria provided, single submitter. Criteria: ACMG Guidelines, 2015. Collection method: clinical testing. Allele origin: germline.
Comment: The PKHD1 c.2592+1G>C variant is predicted to disrupt the GT donor site and interfere with normal splicing. To our knowledge, this variant has not been reported in the literature. This variant is reported in 0.00088% of alleles in individuals of European (Non-Finnish) descent in gnomAD. Variants that disrupt the consensus splice donor site in PKHD1 are expected to be pathogenic. This variant is interpreted as pathogenic.

Labcorp Genetics (formerly Invitae), Labcorp
Classification: Likely pathogenic for Autosomal recessive polycystic kidney disease. Last evaluated: 2023-08-30. Review status: criteria provided, single submitter. Criteria: Invitae Variant Classification Sherloc (09022015). Collection method: clinical testing. Allele origin: germline.
Comment: ClinVar contains an entry for this variant (Variation ID: 1067726). In summary, the currently available evidence indicates that the variant is pathogenic, but additional data are needed to prove that conclusively. Therefore, this variant has been classified as Likely Pathogenic. Algorithms developed to predict the effect of sequence changes on RNA splicing suggest that this variant may disrupt the consensus splice site. This variant has not been reported in the literature in individuals affected with PKHD1-related conditions. This variant is present in population databases (rs758812102, gnomAD 0.002%). This sequence change affects a donor splice site in intron 24 of the PKHD1 gene. It is expected to disrupt RNA splicing. Variants that disrupt the donor or acceptor splice site typically lead to a loss of protein function (PMID: 16199547), and loss-of-function variants in PKHD1 are known to be pathogenic (PMID: 19940839).

Fulgent Genetics
Classification: Likely pathogenic for Polycystic kidney disease 4. Last evaluated: 2022-04-26. Review status: criteria provided, single submitter. Criteria: ACMG Guidelines, 2015. Collection method: clinical testing. Allele origin: unknown.

Literature cited by the submitters: PubMed 16199547 (cited by Labcorp Genetics (formerly Invitae), Labcorp); PubMed 19940839 (cited by Labcorp Genetics (formerly Invitae), Labcorp).